The following is an entry in ClinVar:

NM_198578.4(LRRK2):c.1347G>A (p.Met449Ile)

Gene: LRRK2 (leucine rich repeat kinase 2; plus strand). Cytogenetic location: 12q12.
Variant type: single nucleotide variant.
Coding change: c.1347G>A on transcript NM_198578.4 (MANE Select); coding-DNA position 1347, G replaced by A.
Protein change: p.Met449Ile; replaces methionine 449 with isoleucine.
Molecular consequence: missense variant.
Genome position (GRCh38, 1-based): chr12:40,257,306, G>A. VCF-style: chr12-40257306-G-A. GRCh37 (hg19) VCF-style: chr12-40651108-G-A.
Other names: short protein forms M449I.
Identifiers: ClinVar variation 1770507 (VCV001770507.2), dbSNP rs779417337, ClinGen allele CA6513352.

ClinVar aggregate classification (germline): Uncertain significance (1 of 4 stars; one submission).

Conditions:
Inborn genetic diseases. Identifiers: MedGen C0950123, MeSH D030342.

Allele frequency attached by ClinVar (database versions not stated): gnomAD exomes below 0.00001; ExAC 0.00001.
gnomAD v4.1: 1 of 1,606,510 alleles (0.000062%); highest among the groups gnomAD compares: Non-Finnish European, 0.000085%; no homozygotes.

Submission:

Ambry Genetics
Classification: Uncertain significance for Inborn genetic diseases. Last evaluated: 2022-10-12. Review status: criteria provided, single submitter. Criteria: Ambry Variant Classification Scheme 2023. Collection method: clinical testing. Allele origin: germline.
Comment: The p.M449I variant (also known as c.1347G>A), located in coding exon 12 of the LRRK2 gene, results from a G to A substitution at nucleotide position 1347. The methionine at codon 449 is replaced by isoleucine, an amino acid with highly similar properties. This amino acid position is conserved. In addition, this alteration is predicted to be tolerated by in silico analysis. Since supporting evidence is limited at this time, the clinical significance of this alteration remains unclear.